The following is an entry in ClinVar:

NM_001903.5(CTNNA1):c.1271G>A (p.Arg424His)

Gene: CTNNA1 (catenin alpha 1; plus strand). Cytogenetic location: 5q31.2.
Variant type: single nucleotide variant.
Coding change: c.1271G>A on transcript NM_001903.5 (MANE Select); coding-DNA position 1271, G replaced by A.
Protein change: p.Arg424His; replaces arginine 424 with histidine.
Molecular consequence: missense variant. On other transcripts: 5 prime UTR variant (5), intron variant (2).
Genome position (GRCh38, 1-based): chr5:138,887,617, G>A. VCF-style: chr5-138887617-G-A. GRCh37 (hg19) VCF-style: chr5-138223306-G-A.
Other names: c.1271G>A, p.Arg424His (NM_001290307.3, NM_001323982.2, NM_001323983.1 and 3 more transcripts); c.962G>A, p.Arg321His (NM_001290309.3); c.902G>A, p.Arg301His (NM_001290310.3); c.161G>A, p.Arg54His (NM_001290312.1, NM_001323987.1, NM_001323988.1 and 18 more transcripts); c.-237G>A (NM_001324006.1, NM_001324007.1, NM_001324008.1 and 1 more transcripts); c.-112G>A (NM_001324013.1); c.-58+12020G>A (NM_001324012.1); c.-61+12020G>A (NM_001324010.1); short protein forms R321H, R301H, R424H, R54H.
Identifiers: ClinVar variation 643643 (VCV000643643.19), dbSNP rs1424890664, ClinGen allele CA361133219.

ClinVar aggregate classification (germline): Uncertain significance. Review status: criteria provided, multiple submitters, no conflicts (2 of 4 stars). 4 submissions from 4 submitters: Uncertain significance (4). Last evaluated 2026-01-16.

Conditions:
Hereditary cancer-predisposing syndrome. Also called: Neoplastic Syndromes, Hereditary; Tumor predisposition; Hereditary neoplastic syndrome; Hereditary Cancer Syndrome. Identifiers: Orphanet 140162, MedGen C0027672, MeSH D009386, MONDO:0015356.
Patterned macular dystrophy 2. Identifiers: Orphanet 99001, MedGen C1837029, MONDO:0012162, OMIM 608970.

Allele frequency attached by ClinVar (database versions not stated): gnomAD 0.00001 and 0.00002; gnomAD exomes 0.00001; TOPMed 0.00002.
gnomAD v4.1: 17 of 1,610,900 alleles (0.0011%); highest among the groups gnomAD compares: Admixed American, 0.0051%; no homozygotes.

Submissions (4):

Labcorp Genetics (formerly Invitae), Labcorp
Classification: Uncertain significance. Last evaluated: 2026-01-16. Review status: criteria provided, single submitter. Criteria: Invitae Variant Classification Sherloc (09022015). Collection method: clinical testing. Allele origin: germline.
Comment: This sequence change replaces arginine, which is basic and polar, with histidine, which is basic and polar, at codon 424 of the CTNNA1 protein (p.Arg424His). This variant is present in population databases (no rsID available, gnomAD 0.007%). This variant has not been reported in the literature in individuals affected with CTNNA1-related conditions. ClinVar contains an entry for this variant (Variation ID: 643643). An algorithm developed to predict the effect of missense changes on protein structure and function (PolyPhen-2) suggests that this variant is likely to be tolerated. In summary, the available evidence is currently insufficient to determine the role of this variant in disease. Therefore, it has been classified as a Variant of Uncertain Significance.

Ambry Genetics
Classification: Uncertain significance for Hereditary cancer-predisposing syndrome. Last evaluated: 2025-08-12. Review status: criteria provided, single submitter. Criteria: Ambry Variant Classification Scheme 2023. Collection method: clinical testing. Allele origin: germline.

GeneDx
Classification: Uncertain significance. Last evaluated: 2024-08-21. Review status: criteria provided, single submitter. Criteria: GeneDx Variant Classification Process June 2021. Collection method: clinical testing. Allele origin: germline. Affected: yes.
Comment: In silico analysis indicates that this missense variant does not alter protein structure/function; Has not been previously published as pathogenic or benign to our knowledge; This variant is associated with the following publications: (PMID: 32051609)

Baylor Genetics
Classification: Uncertain significance for Patterned macular dystrophy 2. Last evaluated: 2023-10-31. Review status: criteria provided, single submitter. Criteria: ACMG Guidelines, 2015. Collection method: clinical testing. Allele origin: unknown.